The following is an entry in ClinVar:

ClinVar aggregate classification (germline): Benign/Likely benign. Review status: criteria provided, multiple submitters, no conflicts (2 of 4 stars). 2 submissions from 2 submitters: Benign (1); Likely benign (1). Last evaluated 2026-02-01.

Conditions:
Hypertrophic cardiomyopathy. Also called: HYPERTROPHIC MYOCARDIOPATHY. Identifiers: Orphanet 217569, MedGen C0007194, MeSH D002312, MONDO:0005045, HP:0001639.

Submissions (2):

Labcorp Genetics (formerly Invitae), Labcorp
Classification: Benign for Hypertrophic cardiomyopathy. Last evaluated: 2026-02-01. Review status: criteria provided, single submitter. Criteria: Invitae Variant Classification Sherloc (09022015). Collection method: clinical testing. Allele origin: germline.

Laboratory for Molecular Medicine, Mass General Brigham Personalized Medicine
Classification: Likely benign. Last evaluated: 2015-03-16. Review status: criteria provided, single submitter. Criteria: LMM Criteria. Collection method: clinical testing. Allele origin: germline. Observed: 8 variant alleles.
Comment: c.1340-14delT in intron 10 of MYOM1: This variant is not expected to have clinic al significance because it has been identified in 0.4% (118/29586) of European c hromosomes by the Exome Aggregation Consortium (ExAC .org; dbSNP rs554705715).

NM_003803.4(MYOM1):c.1340-14del

Gene: MYOM1 (myomesin 1; minus strand). Cytogenetic location: 18p11.31.
Variant type: Deletion.
Coding change: c.1340-14del on transcript NM_003803.4 (MANE Select); 14 bases into the intron before coding-DNA position 1340, one base deleted (T; older notation c.1340-14delT).
Molecular consequence: intron variant.
Genome position (GRCh38, 1-based): chr18:3,164,453, A deleted on the plus strand (T on the coding strand, the reverse complement: MYOM1 is on the minus strand); the first of 4 consecutive A bases (chr18:3,164,453-3,164,456); deleting any one gives the same sequence. VCF-style (leftmost placement, unchanged base first): chr18-3164452-TA-T. GRCh37 (hg19) VCF-style: chr18-3164450-TA-T.
Other names: c.1340-14delT (NM_003803.3); c.1340-14del (NM_019856.2).
Identifiers: ClinVar variation 227690 (VCV000227690.12), dbSNP rs554705715, ClinGen allele CA8874973.
Genomic context (GRCh38, chr18:3,164,452, plus strand): 5'-CTCCACTCCAAAGTGTTTGCACCCATTTTGATGGAGAAAGAGGTACTCCTAGAAATATTT[TA>T]AAAGTAAGCAAATTAACTTATTTTTGTTTTATAACTTCCTTCTTGTCTCCCCTCCATTCC-3'